The following is an entry in ClinVar:

NM_001199107.2(TBC1D24):c.1022G>A (p.Arg341His)

Gene: TBC1D24 (TBC1 domain family member 24; plus strand). Cytogenetic location: 16p13.3.
Variant type: single nucleotide variant.
Coding change: c.1022G>A on transcript NM_001199107.2 (MANE Select); coding-DNA position 1022, G replaced by A.
Protein change: p.Arg341His; replaces arginine 341 with histidine.
Molecular consequence: missense variant.
Genome position (GRCh38, 1-based): chr16:2,498,276, G>A. VCF-style: chr16-2498276-G-A. GRCh37 (hg19) VCF-style: chr16-2548277-G-A.
Other names: c.1004G>A, p.Arg335His (NM_020705.3); short protein forms R341H, R335H.
Identifiers: ClinVar variation 380328 (VCV000380328.16), dbSNP rs754727069, ClinGen allele CA7844138.

ClinVar aggregate classification (germline): Conflicting classifications of pathogenicity. Review status: criteria provided, conflicting classifications (1 of 4 stars). 3 submissions from 3 submitters: Uncertain significance (2); Likely benign (1). Last evaluated 2025-03-25.

Conditions:
Inborn genetic diseases. Identifiers: MedGen C0950123, MeSH D030342.
Developmental and epileptic encephalopathy, 1 (DEE1). Also called: X-linked infantile spasms; West's syndrome; Tonic spasms with clustering, arrest of psychomotor development and hypsarrhythmia on EEG; X-Linked Infantile Spasm Syndrome; OHTAHARA SYNDROME, X-LINKED; INFANTILE SPASM SYNDROME, X-LINKED 1. Identifiers: MedGen C3463992, MONDO:0010632, OMIM 308350. Disease mechanism: loss of function.
Autosomal dominant nonsyndromic hearing loss 65. Also called: TBC1D24-Related Autosomal Dominant Nonsyndromic Hearing Loss (DFNA); Deafness, autosomal dominant 65. Identifiers: Orphanet 90635, MedGen C3892048, MONDO:0014470, OMIM 616044.

Allele frequency attached by ClinVar (database versions not stated): gnomAD exomes 0.00003 and 0.00001; ExAC 0.00001; gnomAD 0.00001; TOPMed 0.00001.
gnomAD v4.1: 18 of 1,611,620 alleles (0.0011%); highest among the groups gnomAD compares: Admixed American, 0.017%; no homozygotes.

Submissions (3):

Labcorp Genetics (formerly Invitae), Labcorp
Classification: Uncertain significance for Developmental and epileptic encephalopathy, 1; Autosomal dominant nonsyndromic hearing loss 65. Last evaluated: 2025-03-25. Review status: criteria provided, single submitter. Criteria: Invitae Variant Classification Sherloc (09022015). Collection method: clinical testing. Allele origin: germline.
Comment: This sequence change replaces arginine, which is basic and polar, with histidine, which is basic and polar, at codon 341 of the TBC1D24 protein (p.Arg341His). This variant is present in population databases (rs754727069, gnomAD 0.02%). This variant has not been reported in the literature in individuals affected with TBC1D24-related conditions. ClinVar contains an entry for this variant (Variation ID: 380328). Invitae Evidence Modeling of protein sequence and biophysical properties (such as structural, functional, and spatial information, amino acid conservation, physicochemical variation, residue mobility, and thermodynamic stability) indicates that this missense variant is not expected to disrupt TBC1D24 protein function with a negative predictive value of 95%. In summary, the available evidence is currently insufficient to determine the role of this variant in disease. Therefore, it has been classified as a Variant of Uncertain Significance.

Ambry Genetics
Classification: Likely benign for Inborn genetic diseases. Last evaluated: 2023-03-20. Review status: criteria provided, single submitter. Criteria: Ambry Variant Classification Scheme 2023. Collection method: clinical testing. Allele origin: germline.

GeneDx
Classification: Uncertain significance. Last evaluated: 2021-06-07. Review status: criteria provided, single submitter. Criteria: GeneDx Variant Classification Process June 2021. Collection method: clinical testing. Allele origin: germline. Affected: yes.
Comment: In silico analysis supports that this missense variant does not alter protein structure/function; Has not been previously published as pathogenic or benign to our knowledge; This variant is associated with the following publications: (PMID: 27535533)